The following is an entry in ClinVar:

ClinVar aggregate classification (germline): Likely benign. Review status: reviewed by expert panel (3 of 4 stars). 14 submissions from 14 submitters: Likely benign (1). 13 of the submissions do not count toward it. Last evaluated 2023-08-03.

Conditions:
CDH1-related diffuse gastric and lobular breast cancer syndrome. Also called: CDH1-related diffuse gastric and lobular breast cancer. Identifiers: MedGen CN311521, MONDO:0100488.
CDH1-related disorder. Also called: CDH1-related condition.
Hereditary cancer-predisposing syndrome. Also called: Tumor predisposition; Neoplastic Syndromes, Hereditary; Hereditary neoplastic syndrome; Hereditary Cancer Syndrome. Identifiers: Orphanet 140162, MedGen C0027672, MeSH D009386, MONDO:0015356.
Ovarian cancer. Also called: OVARIAN CANCER, SOMATIC. Identifiers: Orphanet 213500, MedGen C1140680, MONDO:0008170, OMIM 167000.
Hereditary diffuse gastric adenocarcinoma (HDGC). Also called: DIFFUSE GASTRIC AND LOBULAR BREAST CANCER SYNDROME. Identifiers: Orphanet 26106, MedGen C1708349, MONDO:0007648, OMIM 137215.

Allele frequency attached by ClinVar (database versions not stated): TOPMed 0.00004; gnomAD exomes 0.00002; ExAC 0.00003; gnomAD 0.00003.

Submissions (14):

Clingen Gastric Cancer Variant Curation Expert Panel
Classification: Likely benign for CDH1-related diffuse gastric and lobular breast cancer syndrome. Last evaluated: 2023-08-03. Review status: reviewed by expert panel. Criteria: ClinGen CDH1 ACMG Specifications V3.1. Collection method: curation. Allele origin: germline. Inheritance: Autosomal dominant inheritance.
Comment: The NM_004360.5(CDH1):c.184G>A (p.Gly62Ser) variant has been observed in >10 individuals without a diagnosis of diffuse gastric cancer, signet ring tumor or lobular breast cancer and whose family histories do not suggest HDGC (BS2; internal laboratory contributors). In summary, the clinical significance of this variant is classified as likely benign based on BS2 alone. ACMG/AMP criteria applied, as specified by the CDH1 Variant Curation Expert Panel: BS2. (CDH1 VCEP specifications version 3.1; 04/24/2023)

Labcorp Genetics (formerly Invitae), Labcorp
Classification: Likely benign for Hereditary diffuse gastric adenocarcinoma. Last evaluated: 2026-01-14. Review status: criteria provided, single submitter. Criteria: Invitae Variant Classification Sherloc (09022015). Collection method: clinical testing. Allele origin: germline. Not counted in ClinVar's aggregate classification.

Women's Health and Genetics/Laboratory Corporation of America, LabCorp
Classification: Likely benign. Last evaluated: 2025-07-08. Review status: criteria provided, single submitter. Criteria: LabCorp Variant Classification Summary - May 2015. Collection method: clinical testing. Allele origin: germline. Not counted in ClinVar's aggregate classification.
Comment: Variant summary: CDH1 c.184G>A (p.Gly62Ser) results in a non-conservative amino acid change located in the Cadherin prodomain of the encoded protein sequence. Algorithms developed to predict the effect of missense changes on protein structure and function are either unavailable or do not agree on the potential impact of this missense change. The variant allele was found at a frequency of 0.0001 in 1613778 control chromosomes, predominantly at a frequency of 0.00013 within the Non-Finnish European subpopulation in the gnomAD database. The observed variant frequency within Non-Finnish European control individuals in the gnomAD database is approximately 4.6 fold of the estimated maximal expected allele frequency for a pathogenic variant in CDH1 causing Hereditary Diffuse Gastric Cancer phenotype (2.8e-05). affected with breast cancer, colorectal cancer, and unreported cancer type (Shirts_2016, Dominguez-Valentin_2018, Erdem_2020, Sahin_2022). In a recent large study evaluating breast cancer cases and controls in the Breast Cancer Association Consortium (BCAC), the variant was reported in 4/60466 cases, but was also found in 4/53461 controls (Dorling_2021, reported through LOVD). These reports do not provide unequivocal conclusions about association of the variant with Hereditary Diffuse Gastric Cancer. To our knowledge, no experimental evidence demonstrating an impact on protein function has been reported. ClinVar contains an entry for this variant (Variation ID: 141639). Based on the evidence outlined above, the variant was classified as likely benign.

PreventionGenetics, part of Exact Sciences
Classification: Likely benign for CDH1-related condition. Last evaluated: 2025-05-05. Review status: criteria provided, single submitter. Criteria: ACMG Guidelines, 2015. Collection method: clinical testing. Allele origin: germline. Not counted in ClinVar's aggregate classification.
Comment: This variant is classified as likely benign based on ACMG/AMP sequence variant interpretation guidelines (Richards et al. 2015 PMID: 25741868, with internal and published modifications).

Color Diagnostics, LLC DBA Color Health
Classification: Likely benign for Hereditary cancer-predisposing syndrome. Last evaluated: 2025-02-10. Review status: criteria provided, single submitter. Criteria: ACMG Guidelines, 2015. Collection method: clinical testing. Allele origin: germline. Not counted in ClinVar's aggregate classification.

Quest Diagnostics Nichols Institute San Juan Capistrano
Classification: Uncertain significance. Last evaluated: 2024-01-05. Review status: criteria provided, single submitter. Criteria: Quest Diagnostics criteria. Collection method: clinical testing. Allele origin: unknown. Not counted in ClinVar's aggregate classification.
Comment: The CDH1 c.184G>A (p.Gly62Ser) variant has been reported in the published literature in individuals with colorectal cancer (PMID: 32283892 (2020)) and breast cancer (PMIDs: 34326862 (2021), 26845104 (2016)). In a large-scale breast cancer association study, the variant was observed in individuals with breast cancer as well as in reportedly healthy individuals (PMID: 33471991 (2021), see also LOVD). The frequency of this variant in the general population, 0.000046 (6/129132 chromosomes (Genome Aggregation Database)), is uninformative in the assessment of its pathogenicity. Analysis of this variant using bioinformatics tools for the prediction of the effect of amino acid changes on protein structure and function yielded conflicting predictions that this variant is benign or damaging. Based on the available information, we are unable to determine the clinical significance of this variant.

GeneDx
Classification: Uncertain significance. Last evaluated: 2023-05-18. Review status: criteria provided, single submitter. Criteria: GeneDx Variant Classification Process June 2021. Collection method: clinical testing. Allele origin: germline. Affected: yes. Not counted in ClinVar's aggregate classification.
Comment: In silico analysis supports that this missense variant has a deleterious effect on protein structure/function; Observed in individuals with breast or colorectal cancer, and also in unaffected controls (Shirts et al., 2016; Dominguez-Valentin et al., 2018; Erdem et al., 2020; Dorling et al., 2021); This variant is associated with the following publications: (PMID: 29371908, 10357799, 26845104, 32283892, 33471991, 35089076)

Mayo Clinic Laboratories, Mayo Clinic
Classification: Uncertain significance. Last evaluated: 2022-03-22. Review status: criteria provided, single submitter. Criteria: ACMG Guidelines, 2015. Collection method: clinical testing. Allele origin: germline. Observed: 1 variant allele. Not counted in ClinVar's aggregate classification.

Sema4
Classification: Uncertain significance for Hereditary cancer-predisposing syndrome. Last evaluated: 2021-11-05. Review status: criteria provided, single submitter. Criteria: Sema4 Curation Guidelines. Collection method: curation. Allele origin: germline. Not counted in ClinVar's aggregate classification.
Comment: The CDH1 c.184G>A (p.G62S) variant has been reported in heterozygosity in several individuals with breast cancer and one individual with colorectal cancer (PMID: 26845104, 29371908, 33471991, 32283892). It was observed in 6/129132 chromosomes of the Non-Finnish European subpopulation in the large and broad cohorts of the Genome Aggregation Database (PMID: 32461654). The variant has been reported in ClinVar (Variation ID 141639). Functional studies have not been performed, and in silico predictions of the variant's effect on protein function are inconclusive. The evidence is insufficient to meet ACMG/AMP criteria for classifying the variant as benign or pathogenic. Thus, the clinical significance of this variant is currently uncertain.

Ambry Genetics
Classification: Likely benign for Hereditary cancer-predisposing syndrome. Last evaluated: 2021-02-19. Review status: criteria provided, single submitter. Criteria: Ambry Variant Classification Scheme 2023. Collection method: clinical testing. Allele origin: germline. Not counted in ClinVar's aggregate classification.

Department of Pathology and Laboratory Medicine, Sinai Health System
Classification: Uncertain significance for Ovarian cancer. Last evaluated: 2020-06-02. Review status: criteria provided, single submitter. Criteria: ACMG Guidelines, 2015. Collection method: clinical testing. Allele origin: germline. Affected: yes. Not counted in ClinVar's aggregate classification.

Genetic Services Laboratory, University of Chicago
Classification: Uncertain significance. Last evaluated: 2020-04-21. Review status: criteria provided, single submitter. Criteria: ACMG Guidelines, 2015. Collection method: clinical testing. Allele origin: germline. Affected: no. Not counted in ClinVar's aggregate classification.
Comment: DNA sequence analysis of the CDH1 gene demonstrated a sequence change, c.184G>A, in exon 3 that results in an amino acid change, p.Gly62Ser. This sequence change has been described in the gnomAD database with a frequency of 0.005% in the European sub-population (dbSNP NA). The p.Gly62Ser change has been described in individuals with breast cancer (PMID: 29371908). The p.Gly62Ser change affects a highly conserved amino acid residue located in a domain of the CDH1 protein that is known to be functional. In-silico pathogenicity prediction tools (SIFT, PolyPhen2, Align GVGD, REVEL) provide contradictory results for the p.Gly62Ser substitution. Due to these contrasting evidences and the lack of functional studies, the clinical significance of the p.Gly62Ser change remains unknown at this time.

Illumina Laboratory Services, Illumina
Classification: Likely benign for Hereditary diffuse gastric adenocarcinoma. Last evaluated: 2017-04-27. Review status: criteria provided, single submitter. Criteria: ICSL Variant Classification Criteria 13 December 2019. Collection method: clinical testing. Allele origin: germline. Not counted in ClinVar's aggregate classification.
Comment: This variant was observed as part of a predisposition screen in an ostensibly healthy population. A literature search was performed for the gene, cDNA change, and amino acid change (where applicable). No publications were found based on this search. Allele frequency data from public databases allowed determination this variant is unlikely to cause disease. Therefore, this variant is classified as likely benign.

University of Washington Department of Laboratory Medicine, University of Washington
Classification: Uncertain significance for Hereditary cancer-predisposing syndrome. Last evaluated: 2015-11-20. Review status: criteria provided, single submitter. Criteria: Shirts et al. (Genet Med 2016). Collection method: clinical testing. Allele origin: germline. Observed: 1 variant allele. Not counted in ClinVar's aggregate classification.

Literature cited by the submitters: PubMed 26845104 (cited by 5 submitters); PubMed 29371908 (cited by 4 submitters); PubMed 32283892 (cited by 3 submitters); PubMed 33471991 (cited by 3 submitters); PubMed 35089076 (cited by Women's Health and Genetics/Laboratory Corporation of America, LabCorp); PubMed 34326862 (cited by Quest Diagnostics Nichols Institute San Juan Capistrano); PubMed 10357799 (cited by Ambry Genetics).

NM_004360.5(CDH1):c.184G>A (p.Gly62Ser)

Gene: CDH1 (cadherin 1; plus strand). Cytogenetic location: 16q22.1.
Variant type: single nucleotide variant.
Coding change: c.184G>A on transcript NM_004360.5 (MANE Select); coding-DNA position 184, G replaced by A.
Protein change: p.Gly62Ser; replaces glycine 62 with serine.
Molecular consequence: missense variant. On other transcripts: 5 prime UTR variant (2).
Genome position (GRCh38, 1-based): chr16:68,801,690, G>A. VCF-style: chr16-68801690-G-A. GRCh37 (hg19) VCF-style: chr16-68835593-G-A.
Other names: NM_004360.5(CDH1):c.184G>A; p.Gly62Ser; c.184G>A (LRG_301t1); c.184G>A, p.Gly62Ser (NM_001317184.2); c.-1432G>A (NM_001317185.2); c.-1636G>A (NM_001317186.2); short protein forms G62S.
Identifiers: ClinVar variation 141639 (VCV000141639.43), dbSNP rs587781898, ClinGen allele CA166005.